The following is an entry in ClinVar:

NM_001042492.3(NF1):c.6247C>T (p.Arg2083Cys)

Gene: NF1 (neurofibromin 1; plus strand). Cytogenetic location: 17q11.2.
Variant type: single nucleotide variant.
Coding change: c.6247C>T on transcript NM_001042492.3 (MANE Select); coding-DNA position 6247, C replaced by T.
Protein change: p.Arg2083Cys; replaces arginine 2083 with cysteine.
Molecular consequence: missense variant.
Genome position (GRCh38, 1-based): chr17:31,336,734, C>T. VCF-style: chr17-31336734-C-T. GRCh37 (hg19) VCF-style: chr17-29663752-C-T.
Other names: c.6184C>T, p.Arg2062Cys (NM_000267.4); short protein forms R2062C, R2083C.
Identifiers: ClinVar variation 3019229 (VCV003019229.4), dbSNP rs2151554593, ClinGen allele CA399012117.

ClinVar aggregate classification (germline): Conflicting classifications of pathogenicity. Review status: criteria provided, conflicting classifications (1 of 4 stars). 2 submissions from 2 submitters: Likely pathogenic (1); Uncertain significance (1). Last evaluated 2023-08-10.

Conditions:
NF1-related disorder. Also called: NF1-related condition. Identifiers: MedGen CN379171.
Neurofibromatosis, type 1 (NF1). Also called: Peripheral type neurofibromatosis; VON RECKLINGHAUSEN DISEASE; NEUROFIBROMATOSIS, TYPE I, SOMATIC; Neurofibromatosis, type I. Identifiers: Orphanet 636, MedGen C0027831, MONDO:0018975, OMIM 162200. Disease mechanism: loss of function.

Allele frequency attached by ClinVar (database versions not stated): gnomAD exomes below 0.00001.
gnomAD v4.1: 2 of 1,614,036 alleles (0.00012%); highest among the groups gnomAD compares: Admixed American, 0.0017%; no homozygotes.

Submissions (2):

Labcorp Genetics (formerly Invitae), Labcorp
Classification: Uncertain significance for Neurofibromatosis, type 1. Last evaluated: 2023-08-10. Review status: criteria provided, single submitter. Criteria: Invitae Variant Classification Sherloc (09022015). Collection method: clinical testing. Allele origin: germline.
Comment: This sequence change replaces arginine, which is basic and polar, with cysteine, which is neutral and slightly polar, at codon 2062 of the NF1 protein (p.Arg2062Cys). In summary, the available evidence is currently insufficient to determine the role of this variant in disease. Therefore, it has been classified as a Variant of Uncertain Significance. Advanced modeling of protein sequence and biophysical properties (such as structural, functional, and spatial information, amino acid conservation, physicochemical variation, residue mobility, and thermodynamic stability) performed at Invitae indicates that this missense variant is expected to disrupt NF1 protein function. This variant has not been reported in the literature in individuals affected with NF1-related conditions. This variant is not present in population databases (gnomAD no frequency).

Blueprint Genetics
Classification: Likely pathogenic for NF1-related disorders. Last evaluated: 2021-03-10. Review status: criteria provided, single submitter. Criteria: ACMG Guidelines, 2015. Collection method: clinical testing. Allele origin: germline. Affected: yes. Observed: 1 variant allele.